The following is an entry in ClinVar:

NM_001130009.3(GEN1):c.268A>G (p.Asn90Asp)

Gene: GEN1 (GEN1 Holliday junction 5' flap endonuclease; plus strand). Cytogenetic location: 2p24.2.
Variant type: single nucleotide variant.
Coding change: c.268A>G on transcript NM_001130009.3 (MANE Select); coding-DNA position 268, A replaced by G.
Protein change: p.Asn90Asp; replaces asparagine 90 with aspartic acid.
Molecular consequence: missense variant.
Genome position (GRCh38, 1-based): chr2:17,761,502, A>G. VCF-style: chr2-17761502-A-G. GRCh37 (hg19) VCF-style: chr2-17942769-A-G.
Other names: c.268A>G, p.Asn90Asp (NM_182625.5); short protein forms N90D.
Identifiers: ClinVar variation 4029290 (VCV004029290.1).
Genomic context (GRCh38, chr2:17,761,502, plus strand): 5'-CTGGTATTTGTTATGGAAGGGGAACCACCAAAGCTGAAAGCTGATGTCATAAGCAAGAGG[A>G]ATCAGTCTCGGTATGGGTCTTCTGGAAAATCGTGGTCTCAGAAAACAGGGAGATCACATT-3'
Protein context (NP_001123481.3, residues 80-100): KLKADVISKR[Asn90Asp]QSRYGSSGKS

ClinVar aggregate classification (germline): Uncertain significance (1 of 4 stars; one submission).

gnomAD v4.1: 1 of 1,612,908 alleles (0.000062%); highest among the groups gnomAD compares: Non-Finnish European, 0.000085%; no homozygotes.

Submission:

Ambry Genetics
Classification: Uncertain significance. Last evaluated: 2025-05-11. Review status: criteria provided, single submitter. Criteria: Ambry Variant Classification Scheme 2023. Collection method: clinical testing. Allele origin: germline.
Comment: The p.N90D variant (also known as c.268A>G), located in coding exon 2 of the GEN1 gene, results from an A to G substitution at nucleotide position 268. The asparagine at codon 90 is replaced by aspartic acid, an amino acid with highly similar properties. This amino acid position is conserved. In addition, this alteration is predicted to be tolerated by in silico analysis. Based on the available evidence, the clinical significance of this variant remains unclear.